The following is an entry in ClinVar:

NM_003587.5(DHX16):c.1958C>A (p.Ser653Tyr)

Gene: DHX16 (DEAH-box helicase 16; minus strand). Cytogenetic location: 6p21.33.
Variant type: single nucleotide variant.
Coding change: c.1958C>A on transcript NM_003587.5 (MANE Select); coding-DNA position 1958, C replaced by A.
Protein change: p.Ser653Tyr; replaces serine 653 with tyrosine.
Molecular consequence: missense variant.
Genome position (GRCh38, 1-based): chr6:30,659,521, G>T on the plus strand (C>A on the coding strand, the complement: DHX16 is on the minus strand). VCF-style: chr6-30659521-G-T. GRCh37 (hg19) VCF-style: chr6-30627298-G-T.
Other names: c.1778C>A, p.Ser593Tyr (NM_001164239.2); c.515C>A, p.Ser172Tyr (NM_001363515.2); short protein forms S172Y, S593Y, S653Y.
Identifiers: ClinVar variation 4083020 (VCV004083020.1).

ClinVar aggregate classification (germline): Uncertain significance (1 of 4 stars; one submission).

Submission:

GeneDx
Classification: Uncertain significance. Last evaluated: 2025-03-06. Review status: criteria provided, single submitter. Criteria: GeneDx Variant Classification Process June 2021. Collection method: clinical testing. Allele origin: germline. Affected: yes.
Comment: Not observed at significant frequency in large population cohorts (gnomAD); In silico analysis supports that this missense variant has a deleterious effect on protein structure/function; Has not been previously published as pathogenic or benign to our knowledge